The following is an entry in ClinVar:

ClinVar aggregate classification (germline): Uncertain significance (1 of 4 stars; one submission).

Conditions:
Neurodevelopmental disorder with impaired language and ataxia and with or without seizures. Identifiers: MedGen C5562006, MONDO:0859201, OMIM 619580.

gnomAD v4.1: 1 of 1,612,526 alleles (0.000062%); highest among the groups gnomAD compares: Non-Finnish European, 0.000085%; no homozygotes.

Submission:

Victorian Clinical Genetics Services, Murdoch Childrens Research Institute
Classification: Uncertain significance for Neurodevelopmental disorder with impaired language and ataxia and with or without seizures. Last evaluated: 2024-09-21. Review status: criteria provided, single submitter. Criteria: ACMG Guidelines, 2015. Collection method: clinical testing. Allele origin: germline. Inheritance: Autosomal dominant inheritance. Affected: yes.
Comment: Based on the classification scheme VCGS_Germline_v1.3.4, this variant is classified as VUS-3B. Following criteria are met: 0103 - Loss of function and gain of function are known mechanisms of disease in this gene and are associated with intellectual developmental disorder, autosomal recessive 6 (MIM#611092) and neurodevelopmental disorder with impaired language and ataxia and with or without seizures, (MIM#619580) (OMIM). (I) 0108 - This gene is associated with both recessive and dominant disease. Biallelic premature termination codon loss of function variants cause autosomal recessive inheritance, and monoallelic missense gain of function variants cause autosomal dominant inheritance (PMID: 28180184, 25039795, 17847003, 34375587). (I) 0200 - Variant is predicted to result in a missense amino acid change from threonine to isoleucine. (I) 0251 - This variant is heterozygous. (I) 0301 - Variant is absent from gnomAD (both v2 and v3). (SP) 0309 - An alternative amino acid change at the same position has been observed in gnomAD (v3) (1 heterozygote, 0 homozygotes). (I) 0502 - Missense variant with conflicting in silico predictions and uninformative conservation. (I) 0600 - Variant is located in the annotated receptor family ligand binding region (DECIPHER). (I) 0705 - No comparable missense variants have previous evidence for pathogenicity. (I) 0807 - This variant has no previous evidence of pathogenicity. (I) 0905 - No published segregation evidence has been identified for this variant. (I) 1007 - No published functional evidence has been identified for this variant. (I) 1208 - Inheritance information for this variant is not currently available in this individual. (I) Legend: (SP) - Supporting pathogenic, (I) - Information, (SB) - Supporting benign

Literature cited by the submitters: PubMed 17847003; PubMed 25039795; PubMed 28180184; PubMed 34375587.

NM_021956.5(GRIK2):c.860C>T (p.Thr287Ile)

Gene: GRIK2 (glutamate ionotropic receptor kainate type subunit 2; plus strand). Cytogenetic location: 6q16.3.
Variant type: single nucleotide variant.
Coding change: c.860C>T on transcript NM_021956.5 (MANE Select); coding-DNA position 860, C replaced by T.
Protein change: p.Thr287Ile; replaces threonine 287 with isoleucine.
Molecular consequence: missense variant.
Genome position (GRCh38, 1-based): chr6:101,686,262, C>T. VCF-style: chr6-101686262-C-T. GRCh37 (hg19) VCF-style: chr6-102134137-C-T.
Other names: c.860C>T, p.Thr287Ile (NM_001166247.1, NM_175768.3); short protein forms T287I.
Identifiers: ClinVar variation 3376846 (VCV003376846.1).